The following is an entry in ClinVar:

NM_000138.5(FBN1):c.2168-6G>A

Gene: FBN1 (fibrillin 1; minus strand). Cytogenetic location: 15q21.1.
Variant type: single nucleotide variant.
Coding change: c.2168-6G>A on transcript NM_000138.5 (MANE Select); 6 bases into the intron before coding-DNA position 2168, G replaced by A.
Molecular consequence: intron variant.
Genome position (GRCh38, 1-based): chr15:48,497,397, C>T on the plus strand (G>A on the coding strand, the complement: FBN1 is on the minus strand). VCF-style: chr15-48497397-C-T. GRCh37 (hg19) VCF-style: chr15-48789594-C-T.
Identifiers: ClinVar variation 392219 (VCV000392219.15), dbSNP rs200924505, ClinGen allele CA047144.

ClinVar aggregate classification (germline): Benign/Likely benign. Review status: criteria provided, multiple submitters, no conflicts (2 of 4 stars). 5 submissions from 5 submitters: Benign (2); Likely benign (3). Last evaluated 2024-11-21.

Conditions:
Marfan syndrome (MFS). Also called: Marfan syndrome, classic; Marfan syndrome type 1; Marfan's syndrome; MARFAN SYNDROME, TYPE I; FBN1-Related Marfan Syndrome. Identifiers: Orphanet 284963, Orphanet 558, MedGen C0024796, MONDO:0007947, OMIM 154700.
Familial thoracic aortic aneurysm and aortic dissection (TAAD). Also called: Thoracic aortic aneurysms and dissections. Identifiers: Orphanet 91387, MedGen C4707243, MONDO:0019625.

Allele frequency attached by ClinVar (database versions not stated): 1000 Genomes Project 0.00040; 1000 Genomes Project 30x 0.00047; gnomAD exomes 0.00001 and 0.00004; ExAC 0.00002; TOPMed 0.00004; gnomAD 0.00001.

Submissions (5):

Labcorp Genetics (formerly Invitae), Labcorp
Classification: Likely benign for Marfan syndrome; Familial thoracic aortic aneurysm and aortic dissection. Last evaluated: 2024-11-21. Review status: criteria provided, single submitter. Criteria: Invitae Variant Classification Sherloc (09022015). Collection method: clinical testing. Allele origin: germline.

Blueprint Genetics
Classification: Likely benign. Last evaluated: 2023-09-07. Review status: criteria provided, single submitter. Criteria: ACMG Guidelines, 2015. Collection method: clinical testing. Allele origin: germline.

All of Us Research Program, National Institutes of Health
Classification: Benign for Marfan syndrome. Last evaluated: 2023-08-15. Review status: criteria provided, single submitter. Criteria: ACMG Guidelines, 2015. Collection method: clinical testing. Allele origin: germline. Inheritance: Autosomal dominant inheritance. Observed: 3 variant alleles, 3 heterozygotes.
Comment: This study involves interpretation of variants in research participants for the purpose of population health screening. Participant phenotype was not available at the time of variant classification. Additional details can be found in publication PMID: 35346344, PMCID: PMC8962531

Color Diagnostics, LLC DBA Color Health
Classification: Benign for Familial thoracic aortic aneurysm and aortic dissection. Last evaluated: 2022-12-13. Review status: criteria provided, single submitter. Criteria: ACMG Guidelines, 2015. Collection method: clinical testing. Allele origin: germline.

GeneDx
Classification: Likely benign. Last evaluated: 2016-12-27. Review status: criteria provided, single submitter. Criteria: GeneDx Variant Classification (06012015). Collection method: clinical testing. Allele origin: germline. Affected: yes.
Comment: This variant is considered likely benign or benign based on one or more of the following criteria: it is a conservative change, it occurs at a poorly conserved position in the protein, it is predicted to be benign by multiple in silico algorithms, and/or has population frequency not consistent with disease.